The following is an entry in ClinVar:

ClinVar aggregate classification (germline): Pathogenic/Likely pathogenic. Review status: criteria provided, multiple submitters, no conflicts (2 of 4 stars). 4 submissions from 4 submitters: Pathogenic (1); Likely pathogenic (2). 1 of the submissions does not count toward it. Last evaluated 2023-08-10.

Conditions:
Galactosylceramide beta-galactosidase deficiency. Also called: Leukodystrophy, Globoid Cell; Krabbe Disease; GALACTOCEREBROSIDASE DEFICIENCY; GALC DEFICIENCY; GLOBOID CELL LEUKOENCEPHALOPATHY. Identifiers: Orphanet 487, MedGen C0023521, MONDO:0009499, OMIM 245200.

Allele frequency attached by ClinVar (database versions not stated): gnomAD exomes below 0.00001.

Submissions (4):

Revvity Omics, Revvity
Classification: Likely pathogenic. Last evaluated: 2023-08-10. Review status: criteria provided, single submitter. Criteria: ACMG Guidelines, 2015. Collection method: clinical testing. Allele origin: germline.

GeneDx
Classification: Likely pathogenic. Last evaluated: 2022-10-28. Review status: criteria provided, single submitter. Criteria: GeneDx Variant Classification Process June 2021. Collection method: clinical testing. Allele origin: germline. Affected: yes.
Comment: Frameshift variant predicted to result in protein truncation or nonsense mediated decay in a gene for which loss of function is a known mechanism of disease; Not observed at significant frequency in large population cohorts (gnomAD); Has not been previously published as pathogenic or benign to our knowledge

Labcorp Genetics (formerly Invitae), Labcorp
Classification: Pathogenic for Galactosylceramide beta-galactosidase deficiency. Last evaluated: 2022-09-06. Review status: criteria provided, single submitter. Criteria: Invitae Variant Classification Sherloc (09022015). Collection method: clinical testing. Allele origin: germline.
Comment: This variant is not present in population databases (gnomAD no frequency). This sequence change creates a premature translational stop signal (p.Val341Serfs*18) in the GALC gene. It is expected to result in an absent or disrupted protein product. Loss-of-function variants in GALC are known to be pathogenic (PMID: 7437911, 9272171, 16607461). For these reasons, this variant has been classified as Pathogenic. ClinVar contains an entry for this variant (Variation ID: 371581). This variant has not been reported in the literature in individuals affected with GALC-related conditions.

Counsyl
Classification: Likely pathogenic for Galactosylceramide beta-galactosidase deficiency. Last evaluated: 2016-10-25. Review status: no assertion criteria provided. Collection method: clinical testing. Allele origin: unknown. Not counted in ClinVar's aggregate classification.

Literature cited by the submitters: PubMed 7437911 (cited by Labcorp Genetics (formerly Invitae), Labcorp); PubMed 9272171 (cited by Labcorp Genetics (formerly Invitae), Labcorp); PubMed 16607461 (cited by Labcorp Genetics (formerly Invitae), Labcorp).

NM_000153.4(GALC):c.1021del (p.Val341fs)

Gene: GALC (galactosylceramidase; minus strand). Cytogenetic location: 14q31.3.
Variant type: Deletion.
Coding change: c.1021del on transcript NM_000153.4 (MANE Select); coding-DNA position 1021, one base deleted (G; older notation c.1021delG).
Protein change: p.Val341fs; shifts the reading frame from valine 341.
Molecular consequence: frameshift variant.
Genome position (GRCh38, 1-based): chr14:87,965,517, C deleted on the plus strand (G on the coding strand, the reverse complement: GALC is on the minus strand). VCF-style (leftmost placement, unchanged base first): chr14-87965516-AC-A. GRCh37 (hg19) VCF-style: chr14-88431860-AC-A.
Other names: c.1021delG (NM_000153.3); c.952del, p.Val318fs (NM_001201401.2); c.943del, p.Val315fs (NM_001201402.2); c.1021del (NM_000153.3); short protein forms V318fs, V341fs, V315fs.
Identifiers: ClinVar variation 371581 (VCV000371581.13), dbSNP rs1057517382, ClinGen allele CA16041697.
Genomic context (GRCh38, chr14:87,965,516, plus strand): 5'-TGTCTCTTAGAGAAGAATTTAGGGAGTGAGAGATGGAACTGAACCATACCTGATACCCAG[AC>A]AGGAGATTCTACCACGTAGTGCCCACTCCATGGCTCCTGGGCCGTCATCAACCCGCATCT-3'